The following is an entry in ClinVar:

NM_003036.4(SKI):c.1254C>T (p.Asn418=)

Gene: SKI (SKI proto-oncogene; plus strand). Cytogenetic location: 1p36.32.
Variant type: single nucleotide variant.
Coding change: c.1254C>T on transcript NM_003036.4 (MANE Select); coding-DNA position 1254, C replaced by T.
Protein change: p.Asn418=; no amino-acid change (asparagine 418 retained).
Molecular consequence: synonymous variant.
Genome position (GRCh38, 1-based): chr1:2,303,882, C>T. VCF-style: chr1-2303882-C-T. GRCh37 (hg19) VCF-style: chr1-2235321-C-T.
Identifiers: ClinVar variation 392009 (VCV000392009.23), dbSNP rs536126761, ClinGen allele CA536650.
Genomic context (GRCh38, chr1:2,303,882, plus strand): 5'-ACCCGCCTGCCCCTCCAGCTTCTACTCCTACAAGAGCTTTGAGACAGCCGTGGCGCCCAA[C>T]GTGGCCCTCGCACCGCCGGCCCAGCAGAAGGTTGTGAGCAGCCCTCCGTGTGCCGCCGCC-3'
Protein context (NP_003027.1, residues 408-428): YKSFETAVAP[Asn418=]VALAPPAQQK

ClinVar aggregate classification (germline): Benign/Likely benign. Review status: criteria provided, multiple submitters, no conflicts (2 of 4 stars). 7 submissions from 7 submitters: Benign (1); Likely benign (5). 1 of the submissions does not count toward it. Last evaluated 2026-04-01.

Conditions:
Familial thoracic aortic aneurysm and aortic dissection (TAAD). Also called: Thoracic aortic aneurysms and dissections. Identifiers: Orphanet 91387, MedGen C4707243, MONDO:0019625.
Shprintzen-Goldberg syndrome (SGS). Also called: Marfanoid disorder with craniosynostosis type 1; Marfanoid craniosynostosis syndrome; Shprintzen-Goldberg marfanoid syndrome; SHPRINTZEN-GOLDBERG CRANIOSYNOSTOSIS SYNDROME; CRANIOSYNOSTOSIS WITH ARACHNODACTYLY AND ABDOMINAL HERNIAS. Identifiers: Orphanet 2462, MedGen C1321551, MONDO:0008426, OMIM 182212.
SKI-related disorder. Also called: SKI-related condition.

Allele frequency attached by ClinVar (database versions not stated): gnomAD 0.00013 and 0.00023; TOPMed 0.00013; gnomAD exomes 0.00026 and 0.00056; ExAC 0.00060; 1000 Genomes Project 30x 0.00094; 1000 Genomes Project 0.00120.
gnomAD v4.1: 426 of 1,612,442 alleles (0.026%); highest among the groups gnomAD compares: South Asian, 0.3%; 4 homozygotes.

Submissions (7):

CeGaT Center for Human Genetics Tuebingen
Classification: Likely benign. Last evaluated: 2026-04-01. Review status: criteria provided, single submitter. Criteria: CeGaT Center For Human Genetics Tuebingen Variant Classification Criteria Version 2. Collection method: clinical testing. Allele origin: germline. Affected: yes. Observed: 1 variant allele.
Comment: SKI: BP4, BP7, BS1

Labcorp Genetics (formerly Invitae), Labcorp
Classification: Benign for Shprintzen-Goldberg syndrome. Last evaluated: 2025-12-15. Review status: criteria provided, single submitter. Criteria: Invitae Variant Classification Sherloc (09022015). Collection method: clinical testing. Allele origin: germline.

Blueprint Genetics
Classification: Likely benign. Last evaluated: 2024-09-30. Review status: criteria provided, single submitter. Criteria: ACMG Guidelines, 2015. Collection method: clinical testing. Allele origin: germline.

GeneDx
Classification: Likely benign. Last evaluated: 2020-12-15. Review status: criteria provided, single submitter. Criteria: GeneDx Variant Classification Process June 2021. Collection method: clinical testing. Allele origin: germline. Affected: yes.

Ambry Genetics
Classification: Likely benign for Familial thoracic aortic aneurysm and aortic dissection. Last evaluated: 2018-04-30. Review status: criteria provided, single submitter. Criteria: Ambry Variant Classification Scheme 2023. Collection method: clinical testing. Allele origin: germline.

Eurofins Ntd Llc (ga)
Classification: Likely benign. Last evaluated: 2016-10-28. Review status: criteria provided, single submitter. Criteria: EGL Classification Definitions 2015. Collection method: clinical testing. Allele origin: germline. Observed: 1 variant allele, 1 heterozygote.

PreventionGenetics, part of Exact Sciences
Classification: Likely benign for SKI-related condition. Last evaluated: 2019-02-18. Review status: no assertion criteria provided. Collection method: clinical testing. Allele origin: germline. Not counted in ClinVar's aggregate classification.
Comment: This variant is classified as likely benign based on ACMG/AMP sequence variant interpretation guidelines (Richards et al. 2015 PMID: 25741868, with internal and published modifications).